The following is an entry in ClinVar:

ClinVar aggregate classification (germline): Conflicting classifications of pathogenicity. Review status: criteria provided, conflicting classifications (1 of 4 stars). 11 submissions from 7 submitters: Uncertain significance (8); Likely benign (1). 2 of the submissions do not count toward it. Last evaluated 2026-01-17.

Conditions:
Leber congenital amaurosis (LCA). Also called: Leber's amaurosis. Identifiers: Orphanet 65, MedGen C0339527, MeSH D057130, MONDO:0018998.
Meckel syndrome, type 4 (MKS4). Also called: MECKEL-GRUBER SYNDROME, TYPE 4. Identifiers: Orphanet 564, MedGen C1970161, MONDO:0012626, OMIM 611134.
Joubert syndrome 5 (JBTS5). Identifiers: Orphanet 2318, MedGen C1857780, MONDO:0012432, OMIM 610188.
Senior-Loken syndrome 6 (SLSN6). Identifiers: Orphanet 3156, MedGen C1857779, MONDO:0012433, OMIM 610189.
Leber congenital amaurosis 10 (LCA10). Identifiers: Orphanet 65, MedGen C1857821, MONDO:0012723, OMIM 611755.
CEP290-related disorder. Also called: CEP290-related condition; CEP290-related disorders. Identifiers: MedGen CN239314.
Nephronophthisis. Also called: Juvenile Nephronophthisis. Identifiers: Orphanet 655, MedGen C0687120, MONDO:0019005, HP:0000090.
Joubert syndrome. Also called: JOUBERT-BOLTSHAUSER SYNDROME; Familial aplasia of the vermis. Identifiers: Orphanet 475, MedGen C5979921, MONDO:0018772.
Meckel-Gruber syndrome. Also called: GRUBER SYNDROME; Dysencephalia splachnocystica; DYSENCEPHALIA SPLANCHNOCYSTICA. Identifiers: Orphanet 564, MedGen C0265215, MONDO:0018921.
Bardet-Biedl syndrome 14 (BBS14). Identifiers: Orphanet 110, MedGen C2673874, MONDO:0014442, OMIM 615991.

Allele frequency attached by ClinVar (database versions not stated): gnomAD 0.00013; TOPMed 0.00014; gnomAD exomes 0.00021; ExAC 0.00033.
gnomAD v4.1: 169 of 1,427,762 alleles (0.012%); highest among the groups gnomAD compares: Non-Finnish European, 0.0053%; no homozygotes.

Submissions (11):

Labcorp Genetics (formerly Invitae), Labcorp
Classification: Likely benign for Joubert syndrome; Meckel-Gruber syndrome; Nephronophthisis. Last evaluated: 2026-01-17. Review status: criteria provided, single submitter. Criteria: Invitae Variant Classification Sherloc (09022015). Collection method: clinical testing. Allele origin: germline.

Blueprint Genetics
Classification: Uncertain significance. Last evaluated: 2024-10-14. Review status: criteria provided, single submitter. Criteria: ACMG Guidelines, 2015. Collection method: clinical testing. Allele origin: germline.

Fulgent Genetics
Classification: Uncertain significance for Joubert syndrome 5; Senior-Loken syndrome 6; Meckel syndrome, type 4; Leber congenital amaurosis 10; Bardet-Biedl syndrome 14. Last evaluated: 2024-01-23. Review status: criteria provided, single submitter. Criteria: ACMG Guidelines, 2015. Collection method: clinical testing. Allele origin: germline.

New York Genome Center
Classification: Uncertain significance for Leber congenital amaurosis 10; Senior-Loken syndrome 6; Meckel syndrome, type 4; Joubert syndrome 5. Last evaluated: 2022-03-15. Review status: criteria provided, single submitter. Criteria: NYGC Assertion Criteria 2020. Collection method: clinical testing. Allele origin: germline. Observed: 1 heterozygote.

Illumina Laboratory Services, Illumina
Classification: Uncertain significance for Senior-Loken syndrome 6. Last evaluated: 2018-01-13. Review status: criteria provided, single submitter. Criteria: ICSL Variant Classification Criteria 13 December 2019. Collection method: clinical testing. Allele origin: germline.

Illumina Laboratory Services, Illumina
Classification: Uncertain significance for Bardet-Biedl syndrome 14. Last evaluated: 2018-01-13. Review status: criteria provided, single submitter. Criteria: ICSL Variant Classification Criteria 13 December 2019. Collection method: clinical testing. Allele origin: germline.

Illumina Laboratory Services, Illumina
Classification: Uncertain significance for Leber congenital amaurosis 10. Last evaluated: 2018-01-13. Review status: criteria provided, single submitter. Criteria: ICSL Variant Classification Criteria 13 December 2019. Collection method: clinical testing. Allele origin: germline.

Illumina Laboratory Services, Illumina
Classification: Uncertain significance for Joubert syndrome 5. Last evaluated: 2018-01-13. Review status: criteria provided, single submitter. Criteria: ICSL Variant Classification Criteria 13 December 2019. Collection method: clinical testing. Allele origin: germline.

Illumina Laboratory Services, Illumina
Classification: Uncertain significance for Meckel syndrome, type 4. Last evaluated: 2018-01-13. Review status: criteria provided, single submitter. Criteria: ICSL Variant Classification Criteria 13 December 2019. Collection method: clinical testing. Allele origin: germline.

PreventionGenetics, part of Exact Sciences
Classification: Likely benign for CEP290-related condition. Last evaluated: 2022-03-16. Review status: no assertion criteria provided. Collection method: clinical testing. Allele origin: germline. Not counted in ClinVar's aggregate classification.
Comment: This variant is classified as likely benign based on ACMG/AMP sequence variant interpretation guidelines (Richards et al. 2015 PMID: 25741868, with internal and published modifications).

Natera, Inc.
Classification: Uncertain significance for Leber congenital amaurosis. Last evaluated: 2020-04-17. Review status: no assertion criteria provided. Collection method: clinical testing. Allele origin: germline. Not counted in ClinVar's aggregate classification.

NM_025114.4(CEP290):c.671C>T (p.Thr224Ile)

Gene: CEP290 (centrosomal protein 290; minus strand). Cytogenetic location: 12q21.32.
Variant type: single nucleotide variant.
Coding change: c.671C>T on transcript NM_025114.4 (MANE Select); coding-DNA position 671, C replaced by T.
Protein change: p.Thr224Ile; replaces threonine 224 with isoleucine.
Molecular consequence: missense variant.
Genome position (GRCh38, 1-based): chr12:88,129,875, G>A on the plus strand (C>T on the coding strand, the complement: CEP290 is on the minus strand). VCF-style: chr12-88129875-G-A. GRCh37 (hg19) VCF-style: chr12-88523652-G-A.
Other names: short protein forms T224I.
Identifiers: ClinVar variation 881099 (VCV000881099.18), dbSNP rs200587974, ClinGen allele CA6712702.